The following is an entry in ClinVar:

NM_014336.5(AIPL1):c.725A>C (p.Lys242Thr)

Gene: AIPL1 (AIP like 1 HSP90 co-chaperone; minus strand). Cytogenetic location: 17p13.2.
Variant type: single nucleotide variant.
Coding change: c.725A>C on transcript NM_014336.5 (MANE Select); coding-DNA position 725, A replaced by C.
Protein change: p.Lys242Thr; replaces lysine 242 with threonine.
Molecular consequence: missense variant.
Genome position (GRCh38, 1-based): chr17:6,426,674, T>G on the plus strand (A>C on the coding strand, the complement: AIPL1 is on the minus strand). VCF-style: chr17-6426674-T-G. GRCh37 (hg19) VCF-style: chr17-6329994-T-G.
Other names: c.536A>C, p.Lys179Thr (NM_001033054.3); c.545A>C, p.Lys182Thr (NM_001033055.3); c.689A>C, p.Lys230Thr (NM_001285399.3); c.659A>C, p.Lys220Thr (NM_001285400.3); c.653A>C, p.Lys218Thr (NM_001285401.3); c.608A>C, p.Lys203Thr (NM_001285402.2); c.701A>C, p.Lys234Thr (NM_001285403.4); short protein forms K179T, K182T, K203T, K218T, K220T, K230T, K234T, K242T.
Identifiers: ClinVar variation 1008872 (VCV001008872.6), dbSNP rs1912002011, ClinGen allele CA397395125.

ClinVar aggregate classification (germline): Uncertain significance (1 of 4 stars; one submission).

Conditions:
Leber congenital amaurosis 4 (LCA4). Identifiers: MedGen C1858386, MONDO:0011458, OMIM 604393.

Submission:

Labcorp Genetics (formerly Invitae), Labcorp
Classification: Uncertain significance for Leber congenital amaurosis 4. Last evaluated: 2021-08-30. Review status: criteria provided, single submitter. Criteria: Invitae Variant Classification Sherloc (09022015). Collection method: clinical testing. Allele origin: germline.
Comment: This sequence change replaces lysine with threonine at codon 242 of the AIPL1 protein (p.Lys242Thr). The lysine residue is moderately conserved and there is a moderate physicochemical difference between lysine and threonine. This variant is not present in population databases (ExAC no frequency). This variant has not been reported in the literature in individuals affected with AIPL1-related conditions. Algorithms developed to predict the effect of missense changes on protein structure and function (SIFT, PolyPhen-2, Align-GVGD) all suggest that this variant is likely to be tolerated. In summary, the available evidence is currently insufficient to determine the role of this variant in disease. Therefore, it has been classified as a Variant of Uncertain Significance.